The following is an entry in ClinVar:

NM_002180.3(IGHMBP2):c.*648G>A

Gene: IGHMBP2 (immunoglobulin mu DNA binding protein 2; plus strand). Cytogenetic location: 11q13.3.
Variant type: single nucleotide variant.
Coding change: c.*648G>A on transcript NM_002180.3 (MANE Select); 648 bases downstream of the stop codon, G replaced by A.
Molecular consequence: 3 prime UTR variant.
Genome position (GRCh38, 1-based): chr11:68,940,379, G>A. VCF-style: chr11-68940379-G-A. GRCh37 (hg19) VCF-style: chr11-68707847-G-A.
Identifiers: ClinVar variation 305874 (VCV000305874.34), dbSNP rs139118510, ClinGen allele CA10639993.

ClinVar aggregate classification (germline): Likely benign. Review status: criteria provided, multiple submitters, no conflicts (2 of 4 stars). 3 submissions from 3 submitters: Likely benign (3). Last evaluated 2023-06-01.

Conditions:
Autosomal recessive distal spinal muscular atrophy 1. Also called: HMN VI; NEURONOPATHY, SEVERE INFANTILE AXONAL, WITH RESPIRATORY FAILURE; SEVERE INFANTILE AXONAL NEUROPATHY WITH RESPIRATORY FAILURE; SPINAL MUSCULAR ATROPHY, DIAPHRAGMATIC; NEURONOPATHY, DISTAL HEREDITARY MOTOR, HARDING TYPE VI; NEUROPATHY, DISTAL HEREDITARY MOTOR, AUTOSOMAL RECESSIVE 1. Identifiers: Orphanet 98920, MedGen C1858517, MONDO:0011436, OMIM 604320.

Allele frequency attached by ClinVar (database versions not stated): 1000 Genomes Project 0.00479; 1000 Genomes Project 30x 0.00500; TOPMed 0.00552; gnomAD exomes 0.00621.
gnomAD v4.1: 854 of 152,434 alleles (0.56%); highest among the groups gnomAD compares: Admixed American, 0.9%; 6 homozygotes.

Submissions (3):

CeGaT Center for Human Genetics Tuebingen
Classification: Likely benign. Last evaluated: 2023-06-01. Review status: criteria provided, single submitter. Criteria: CeGaT Center For Human Genetics Tuebingen Variant Classification Criteria Version 2. Collection method: clinical testing. Allele origin: germline. Affected: yes. Observed: 7 variant alleles.
Comment: IGHMBP2: BS2

Illumina Laboratory Services, Illumina
Classification: Likely benign for Autosomal recessive distal spinal muscular atrophy 1. Last evaluated: 2018-01-13. Review status: criteria provided, single submitter. Criteria: ICSL Variant Classification Criteria 13 December 2019. Collection method: clinical testing. Allele origin: germline.
Comment: This variant was observed in the ICSL laboratory as part of a predisposition screen in an ostensibly healthy population. It had not been previously curated by ICSL or reported in the Human Gene Mutation Database (HGMD: prior to June 1st, 2018), and was therefore a candidate for classification through an automated scoring system. Utilizing variant allele frequency, disease prevalence and penetrance estimates, and inheritance mode, an automated score was calculated to assess if this variant is too frequent to cause the disease. Based on the score and internal cut-off values, a variant classified as likely benign is not then subjected to further curation. The score for this variant resulted in a classification of likely benign for this disease.

Breakthrough Genomics
Classification: Likely benign. Review status: criteria provided, single submitter. Criteria: ACMG Guidelines, 2015. Collection method: not provided. Allele origin: germline. Inheritance: Autosomal recessive inheritance. Affected: yes.